The following is an entry in ClinVar:

NM_002291.3(LAMB1):c.981A>T (p.Arg327=)

Gene: LAMB1 (laminin subunit beta 1; minus strand). Cytogenetic location: 7q31.1.
Variant type: single nucleotide variant.
Coding change: c.981A>T on transcript NM_002291.3 (MANE Select); coding-DNA position 981, A replaced by T.
Protein change: p.Arg327=; no amino-acid change (arginine 327 retained).
Molecular consequence: synonymous variant.
Genome position (GRCh38, 1-based): chr7:107,978,066, T>A on the plus strand (A>T on the coding strand, the complement: LAMB1 is on the minus strand). VCF-style: chr7-107978066-T-A. GRCh37 (hg19) VCF-style: chr7-107618511-T-A.
Identifiers: ClinVar variation 509438 (VCV000509438.1), dbSNP rs1554410490, ClinGen allele CA457110520.
Genomic context (GRCh38, chr7:107,978,066, plus strand): 5'-AGCCTGAATGGATTTAAAATGTCCCTTCAACACAGACTTACTTTTACAGGCGTTGCTGTT[T>A]CGGCCTTCAGCAGGTCTCCAAGGTAAATCATGGTAGAAATCCATGCAGAGTTCACAGTTT-3'
Protein context (NP_002282.2, residues 317-337): HDLPWRPAEG[Arg327=]NSNACKKCNC

ClinVar aggregate classification (germline): Likely benign (1 of 4 stars; one submission).

Allele frequency attached by ClinVar (database versions not stated): gnomAD exomes below 0.00001; TOPMed below 0.00001.
gnomAD v4.1: 1 of 1,614,186 alleles (0.000062%); highest among the groups gnomAD compares: Non-Finnish European, 0.000085%; no homozygotes.

Submission:

GeneDx
Classification: Likely benign. Last evaluated: 2017-05-02. Review status: criteria provided, single submitter. Criteria: GeneDx Variant Classification (06012015). Collection method: clinical testing. Allele origin: germline. Affected: yes.
Comment: This variant is considered likely benign or benign based on one or more of the following criteria: it is a conservative change, it occurs at a poorly conserved position in the protein, it is predicted to be benign by multiple in silico algorithms, and/or has population frequency not consistent with disease.